The following is an entry in ClinVar:

ClinVar aggregate classification (germline): Pathogenic (1 of 4 stars; one submission).

Conditions:
Hereditary diffuse gastric adenocarcinoma (HDGC). Also called: DIFFUSE GASTRIC AND LOBULAR BREAST CANCER SYNDROME. Identifiers: Orphanet 26106, MedGen C1708349, MONDO:0007648, OMIM 137215.

Submission:

Labcorp Genetics (formerly Invitae), Labcorp
Classification: Pathogenic for Hereditary diffuse gastric adenocarcinoma. Last evaluated: 2023-03-14. Review status: criteria provided, single submitter. Criteria: Invitae Variant Classification Sherloc (09022015). Collection method: clinical testing. Allele origin: germline.
Comment: This variant is not present in population databases (gnomAD no frequency). This variant has not been reported in the literature in individuals affected with CDH1-related conditions. Algorithms developed to predict the effect of sequence changes on RNA splicing suggest that this variant may disrupt the consensus splice site. For these reasons, this variant has been classified as Pathogenic. This sequence change creates a premature translational stop signal (p.Leu731Glyfs*38) in the CDH1 gene. It is expected to result in an absent or disrupted protein product. Loss-of-function variants in CDH1 are known to be pathogenic (PMID: 15235021, 20373070).

Literature cited by the submitters: PubMed 15235021; PubMed 20373070.

NM_004360.5(CDH1):c.2190_2193del (p.Leu731fs)

Gene: CDH1 (cadherin 1; plus strand). Cytogenetic location: 16q22.1.
Variant type: Deletion.
Coding change: c.2190_2193del on transcript NM_004360.5 (MANE Select); coding-DNA positions 2190 to 2193, 4 bases deleted (TCTT; older notation c.2190_2193delTCTT).
Protein change: p.Leu731fs; shifts the reading frame from leucine 731.
Molecular consequence: frameshift variant.
Genome position (GRCh38, 1-based): chr16:68,828,199-68,828,202, TCTT deleted; deleting any 4 consecutive bases within chr16:68,828,197-68,828,202 gives the same sequence; the c. name uses the placement nearest the transcript's 3' end. VCF-style (leftmost placement, unchanged base first): chr16-68828196-GTTTC-G. GRCh37 (hg19) VCF-style: chr16-68862099-GTTTC-G.
Other names: c.2007_2010del, p.Leu670fs (NM_001317184.2); c.642_645del, p.Leu215fs (NM_001317185.2); c.225_228del, p.Leu76fs (NM_001317186.2); short protein forms L670fs, L76fs, L731fs, L215fs.
Identifiers: ClinVar variation 2845511 (VCV002845511.3), dbSNP rs2543953408, ClinGen allele CA645580207.